The following is an entry in ClinVar:

NM_000169.3(GLA):c.1194del (p.Glu398fs)

Genes: GLA (galactosidase alpha; minus strand), RPL36A-HNRNPH2 (RPL36A-HNRNPH2 readthrough; plus strand). Cytogenetic location: Xq22.1.
Variant type: Deletion.
Coding change: c.1194del on transcript NM_000169.3 (MANE Select); coding-DNA position 1194, one base deleted (A; older notation c.1194delA).
Protein change: p.Glu398fs; shifts the reading frame from glutamic acid 398.
Molecular consequence: frameshift variant. On other transcripts: non-coding transcript variant (3), intron variant (2).
Genome position (GRCh38, 1-based): chrX:101,397,905, T deleted on the plus strand (A on the coding strand, the reverse complement: GLA is on the minus strand); the first of 2 consecutive T bases (chrX:101,397,905-101,397,906); deleting either gives the same sequence. VCF-style (leftmost placement, unchanged base first): chrX-101397904-AT-A. GRCh37 (hg19) VCF-style: chrX-100652892-AT-A.
Other names: c.1317del, p.Glu439fs (NM_001406747.1); c.300+2449del (NM_001199973.2); c.177+6084del (NM_001199974.2); short protein forms E398fs, E439fs.
Identifiers: ClinVar variation 4087078 (VCV004087078.2).

ClinVar aggregate classification (germline): Pathogenic (1 of 4 stars; one submission).

Conditions:
Fabry disease. Also called: ALPHA-GALACTOSIDASE A DEFICIENCY; ANDERSON-FABRY DISEASE; CERAMIDE TRIHEXOSIDASE DEFICIENCY; GLA DEFICIENCY; HEREDITARY DYSTOPIC LIPIDOSIS; Angiokeratoma corporis diffusum. Identifiers: Orphanet 324, MedGen C0002986, MONDO:0010526, OMIM 301500, HP:0001071. Disease mechanism: Fabry disease is due to inactivating mutations in the X-linked GLA gene resulting in deficiency of the enzyme Alpha Galactosidase-A., loss of function.

Submission:

Genomenon, Inc
Classification: Pathogenic for Fabry disease. Last evaluated: 2026-09-08. Review status: criteria provided, single submitter. Criteria: Genomenon Sequence Variant Interpretation Standards - Updated. Collection method: curation. Allele origin: germline. Affected: yes.
Comment: GLA p.Glu398AspfsTer6 (c.1194del) is a frameshift variant that is predicted to introduce a premature termination codon and result in a truncated or absent protein product. This variant has been observed in at least one proband with clinical features consistent with Fabry disease (PMID:24055776). Functional or patient cell studies have been reported (PMID:22063097). It is absent or not present at a significant frequency in gnomAD. In conclusion, we classify GLA p.Glu398AspfsTer6 (c.1194del) as a pathogenic variant.

Literature cited by the submitters: PubMed 24055776; PubMed 22063097.